The following is an entry in ClinVar:

ClinVar aggregate classification (germline): Uncertain significance (1 of 4 stars; one submission).

Conditions:
Leukocyte adhesion deficiency 3. Also called: INTEGRIN ACTIVATION DEFICIENCY DISEASE; LEUKOCYTE ADHESION DEFICIENCY 1 VARIANT; Leukocyte adhesion deficiency, type III. Identifiers: Orphanet 2968, Orphanet 99844, MedGen C2748536, MONDO:0013016, OMIM 612840.

Allele frequency attached by ClinVar (database versions not stated): gnomAD below 0.00001 and 0.00001; TOPMed below 0.00001; ExAC 0.00003; gnomAD exomes 0.00003; 1000 Genomes Project 30x 0.00016; 1000 Genomes Project 0.00020.
gnomAD v4.1: 20 of 1,612,296 alleles (0.0012%); highest among the groups gnomAD compares: South Asian, 0.02%; no homozygotes.

Submission:

Labcorp Genetics (formerly Invitae), Labcorp
Classification: Uncertain significance for Leukocyte adhesion deficiency 3. Last evaluated: 2022-08-16. Review status: criteria provided, single submitter. Criteria: Invitae Variant Classification Sherloc (09022015). Collection method: clinical testing. Allele origin: germline.
Comment: This sequence change replaces alanine, which is neutral and non-polar, with valine, which is neutral and non-polar, at codon 314 of the FERMT3 protein (p.Ala314Val). This variant is present in population databases (rs566565776, gnomAD 0.03%). This variant has not been reported in the literature in individuals affected with FERMT3-related conditions. ClinVar contains an entry for this variant (Variation ID: 470173). Algorithms developed to predict the effect of missense changes on protein structure and function output the following: SIFT: "Tolerated"; PolyPhen-2: "Benign"; Align-GVGD: "Class C0". The valine amino acid residue is found in multiple mammalian species, which suggests that this missense change does not adversely affect protein function. Algorithms developed to predict the effect of sequence changes on RNA splicing suggest that this variant may create or strengthen a splice site. In summary, the available evidence is currently insufficient to determine the role of this variant in disease. Therefore, it has been classified as a Variant of Uncertain Significance.

NM_031471.6(FERMT3):c.941C>T (p.Ala314Val)

Gene: FERMT3 (FERM domain containing kindlin 3; plus strand). Cytogenetic location: 11q13.1.
Variant type: single nucleotide variant.
Coding change: c.941C>T on transcript NM_031471.6 (MANE Select); coding-DNA position 941, C replaced by T.
Protein change: p.Ala314Val; replaces alanine 314 with valine.
Molecular consequence: missense variant.
Genome position (GRCh38, 1-based): chr11:64,219,570, C>T. VCF-style: chr11-64219570-C-T. GRCh37 (hg19) VCF-style: chr11-63987042-C-T.
Other names: c.941C>T, p.Ala314Val (NM_001382361.1, NM_001382362.1, NM_001382448.1 and 1 more transcripts); c.401C>T, p.Ala134Val (NM_001382363.1, NM_001382364.1); short protein forms A314V, A134V.
Identifiers: ClinVar variation 470173 (VCV000470173.7), dbSNP rs566565776, ClinGen allele CA6068962.